The following is an entry in ClinVar:

ClinVar aggregate classification (germline): Uncertain significance (1 of 4 stars; one submission).

Allele frequency attached by ClinVar (database versions not stated): ExAC 0.00001; gnomAD exomes 0.00002 and 0.00003; gnomAD 0.00003 and 0.00004.
gnomAD v4.1: 33 of 1,209,886 alleles (0.0027%); highest among the groups gnomAD compares: Middle Eastern, 0.023%; no homozygotes.

Submission:

Labcorp Genetics (formerly Invitae), Labcorp
Classification: Uncertain significance. Last evaluated: 2022-06-13. Review status: criteria provided, single submitter. Criteria: Invitae Variant Classification Sherloc (09022015). Collection method: clinical testing. Allele origin: germline.
Comment: This sequence change replaces arginine, which is basic and polar, with cysteine, which is neutral and slightly polar, at codon 94 of the DRP2 protein (p.Arg94Cys). This variant is present in population databases (rs747128168, gnomAD 0.01%). This variant has not been reported in the literature in individuals affected with DRP2-related conditions. Algorithms developed to predict the effect of missense changes on protein structure and function are either unavailable or do not agree on the potential impact of this missense change (SIFT: "Deleterious"; PolyPhen-2: "Probably Damaging"; Align-GVGD: "Class C0"). In summary, the available evidence is currently insufficient to determine the role of this variant in disease. Therefore, it has been classified as a Variant of Uncertain Significance.

NM_001939.3(DRP2):c.280C>T (p.Arg94Cys)

Gene: DRP2 (dystrophin related protein 2; plus strand). Cytogenetic location: Xq22.1.
Variant type: single nucleotide variant.
Coding change: c.280C>T on transcript NM_001939.3 (MANE Select); coding-DNA position 280, C replaced by T.
Protein change: p.Arg94Cys; replaces arginine 94 with cysteine.
Molecular consequence: missense variant.
Genome position (GRCh38, 1-based): chrX:101,236,022, C>T. VCF-style: chrX-101236022-C-T. GRCh37 (hg19) VCF-style: chrX-100491011-C-T.
Other names: c.46C>T, p.Arg16Cys (NM_001171184.2); short protein forms R16C, R94C.
Identifiers: ClinVar variation 1397272 (VCV001397272.9), dbSNP rs747128168, ClinGen allele CA10472035.